The following is an entry in ClinVar:

ClinVar aggregate classification (germline): Benign/Likely benign. Review status: criteria provided, multiple submitters, no conflicts (2 of 4 stars). 5 submissions from 5 submitters: Benign (1); Likely benign (3). 1 of the submissions does not count toward it. Last evaluated 2026-04-24.

Conditions:
GALNT12-related disorder. Also called: GALNT12-related condition.
Colorectal cancer, susceptibility to, 1. Also called: COLORECTAL ADENOMA AND CANCER, SUSCEPTIBILITY TO; COLORECTAL CANCER, SUSCEPTIBILITY TO, ON CHROMOSOME 9. Identifiers: MedGen C1837315, MONDO:0012132, OMIM 608812.

Allele frequency attached by ClinVar (database versions not stated): gnomAD 0.00003; ESP Exome Variant Server 0.00008; TOPMed 0.00001.
gnomAD v4.1: 35 of 1,614,036 alleles (0.0022%); highest among the groups gnomAD compares: Non-Finnish European, 0.0028%; no homozygotes.

Submissions (5):

Myriad Genetics, Inc.
Classification: Benign for Colorectal cancer, susceptibility to, 1. Last evaluated: 2026-04-24. Review status: criteria provided, single submitter. Criteria: Myriad Autosomal Dominant, Autosomal Recessive and X-Linked Classification Criteria (2023). Collection method: clinical testing. Allele origin: unknown.
Comment: This variant is considered benign. This variant is a silent/synonymous amino acid change and it is not expected to impact splicing.

Labcorp Genetics (formerly Invitae), Labcorp
Classification: Likely benign. Last evaluated: 2025-12-22. Review status: criteria provided, single submitter. Criteria: Invitae Variant Classification Sherloc (09022015). Collection method: clinical testing. Allele origin: germline.

Quest Diagnostics Nichols Institute San Juan Capistrano
Classification: Likely benign. Last evaluated: 2023-05-08. Review status: criteria provided, single submitter. Criteria: Quest Diagnostics criteria. Collection method: clinical testing. Allele origin: unknown.

Ambry Genetics
Classification: Likely benign. Last evaluated: 2017-07-14. Review status: criteria provided, single submitter. Criteria: Ambry Variant Classification Scheme 2023. Collection method: clinical testing. Allele origin: germline.

PreventionGenetics, part of Exact Sciences
Classification: Likely benign for GALNT12-related condition. Last evaluated: 2021-12-17. Review status: no assertion criteria provided. Collection method: clinical testing. Allele origin: germline. Not counted in ClinVar's aggregate classification.
Comment: This variant is classified as likely benign based on ACMG/AMP sequence variant interpretation guidelines (Richards et al. 2015 PMID: 25741868, with internal and published modifications).

NM_024642.5(GALNT12):c.858G>T (p.Thr286=)

Gene: GALNT12 (polypeptide N-acetylgalactosaminyltransferase 12; plus strand). Cytogenetic location: 9q22.33.
Variant type: single nucleotide variant.
Coding change: c.858G>T on transcript NM_024642.5 (MANE Select); coding-DNA position 858, G replaced by T.
Protein change: p.Thr286=; no amino-acid change (threonine 286 retained).
Molecular consequence: synonymous variant.
Genome position (GRCh38, 1-based): chr9:98,831,898, G>T. VCF-style: chr9-98831898-G-T. GRCh37 (hg19) VCF-style: chr9-101594180-G-T.
Identifiers: ClinVar variation 485651 (VCV000485651.20), dbSNP rs202039153, ClinGen allele CA5154082.